The following is an entry in ClinVar:

ClinVar aggregate classification (germline): Uncertain significance (1 of 4 stars; one submission).

Conditions:
Primary ciliary dyskinesia. Also called: Ciliary dyskinesia. Identifiers: Orphanet 244, MedGen C0008780, MONDO:0016575, HP:0012265.

Allele frequency attached by ClinVar (database versions not stated): gnomAD exomes below 0.00001.
gnomAD v4.1: 6 of 1,614,214 alleles (0.00037%); highest among the groups gnomAD compares: Non-Finnish European, 0.00051%; no homozygotes.

Submission:

Labcorp Genetics (formerly Invitae), Labcorp
Classification: Uncertain significance for Primary ciliary dyskinesia. Last evaluated: 2019-06-26. Review status: criteria provided, single submitter. Criteria: Invitae Variant Classification Sherloc (09022015). Collection method: clinical testing. Allele origin: germline.
Comment: This sequence change replaces isoleucine with valine at codon 985 of the DNAH5 protein (p.Ile985Val). The isoleucine residue is moderately conserved and there is a small physicochemical difference between isoleucine and valine. This variant is not present in population databases (ExAC no frequency). This variant has not been reported in the literature in individuals with DNAH5-related conditions. Algorithms developed to predict the effect of missense changes on protein structure and function output the following: SIFT: "Tolerated"; PolyPhen-2: "Benign"; Align-GVGD: "Class C0". The valine amino acid residue is found in multiple mammalian species, suggesting that this missense change does not adversely affect protein function. These predictions have not been confirmed by published functional studies and their clinical significance is uncertain. In summary, the available evidence is currently insufficient to determine the role of this variant in disease. Therefore, it has been classified as a Variant of Uncertain Significance.

NM_001369.3(DNAH5):c.2953A>G (p.Ile985Val)

Genes: DNAH5 (dynein axonemal heavy chain 5; minus strand), DNAH5-AS1 (DNAH5 antisense RNA 1; plus strand). Cytogenetic location: 5p15.2.
Variant type: single nucleotide variant.
Coding change: c.2953A>G on transcript NM_001369.3 (MANE Select); coding-DNA position 2953, A replaced by G.
Protein change: p.Ile985Val; replaces isoleucine 985 with valine.
Molecular consequence: missense variant.
Genome position (GRCh38, 1-based): chr5:13,885,019, T>C on the plus strand (A>G on the coding strand, the complement: DNAH5 is on the minus strand). VCF-style: chr5-13885019-T-C. GRCh37 (hg19) VCF-style: chr5-13885128-T-C.
Other names: short protein forms I985V.
Identifiers: ClinVar variation 952481 (VCV000952481.10), dbSNP rs377668816, ClinGen allele CA359195072.